The following is an entry in ClinVar:

ClinVar aggregate classification (germline): Likely benign. Review status: criteria provided, multiple submitters, no conflicts (2 of 4 stars). 4 submissions from 4 submitters: Likely benign (3). 1 of the submissions does not count toward it. Last evaluated 2026-07-01.

Conditions:
GYS1-related disorder. Also called: GYS1-related condition.
Glycogen storage disease due to muscle and heart glycogen synthase deficiency. Also called: GSD 0b; MUSCLE GLYCOGEN SYNTHASE DEFICIENCY. Identifiers: Orphanet 137625, MedGen C1969054, MONDO:0012693, OMIM 611556.

Allele frequency attached by ClinVar (database versions not stated): gnomAD exomes 0.00003 and 0.00005; ExAC 0.00009; gnomAD 0.00017 and 0.00018; 1000 Genomes Project 0.00020; ESP Exome Variant Server 0.00023; TOPMed 0.00023; 1000 Genomes Project 30x 0.00031.
gnomAD v4.1: 66 of 1,612,700 alleles (0.0041%); highest among the groups gnomAD compares: African/African-American, 0.063%; no homozygotes.

Submissions (4):

CeGaT Center for Human Genetics Tuebingen
Classification: Likely benign. Last evaluated: 2026-07-01. Review status: criteria provided, single submitter. Criteria: CeGaT Center For Human Genetics Tuebingen Variant Classification Criteria Version 2. Collection method: clinical testing. Allele origin: germline. Affected: yes. Observed: 1 variant allele.
Comment: GYS1: BP4, BP7

Labcorp Genetics (formerly Invitae), Labcorp
Classification: Likely benign for Glycogen storage disease due to muscle and heart glycogen synthase deficiency. Last evaluated: 2026-01-07. Review status: criteria provided, single submitter. Criteria: Invitae Variant Classification Sherloc (09022015). Collection method: clinical testing. Allele origin: germline.

ARUP Laboratories, Molecular Genetics and Genomics, ARUP Laboratories
Classification: Likely benign for Glycogen storage disease due to muscle and heart glycogen synthase deficiency. Last evaluated: 2022-03-07. Review status: criteria provided, single submitter. Criteria: ARUP Molecular Germline Variant Investigation Process 2021. Collection method: clinical testing. Allele origin: germline.

PreventionGenetics, part of Exact Sciences
Classification: Likely benign for GYS1-related condition. Last evaluated: 2024-01-23. Review status: no assertion criteria provided. Collection method: clinical testing. Allele origin: germline. Not counted in ClinVar's aggregate classification.
Comment: This variant is classified as likely benign based on ACMG/AMP sequence variant interpretation guidelines (Richards et al. 2015 PMID: 25741868, with internal and published modifications).

NM_002103.5(GYS1):c.1512C>T (p.Val504=)

Gene: GYS1 (glycogen synthase 1; minus strand). Cytogenetic location: 19q13.33.
Variant type: single nucleotide variant.
Coding change: c.1512C>T on transcript NM_002103.5 (MANE Select); coding-DNA position 1512, C replaced by T.
Protein change: p.Val504=; no amino-acid change (valine 504 retained).
Molecular consequence: synonymous variant. On other transcripts: non-coding transcript variant (1).
Genome position (GRCh38, 1-based): chr19:48,974,250, G>A on the plus strand (C>T on the coding strand, the complement: GYS1 is on the minus strand). VCF-style: chr19-48974250-G-A. GRCh37 (hg19) VCF-style: chr19-49477507-G-A.
Other names: c.1512C>T (NM_002103.4); c.1320C>T, p.Val440= (NM_001161587.2).
Identifiers: ClinVar variation 1113158 (VCV001113158.13), dbSNP rs201028159, ClinGen allele CA9562928.